The following is an entry in ClinVar:

ClinVar aggregate classification (germline): Uncertain significance (0 of 4 stars; one submission).

Conditions:
SKIC2-related disorder. Also called: SKIC2-related condition.

Allele frequency attached by ClinVar (database versions not stated): gnomAD exomes 0.00002; ExAC 0.00005.
gnomAD v4.1: 23 of 1,613,058 alleles (0.0014%); highest among the groups gnomAD compares: South Asian, 0.024%; 1 homozygote.

Submission:

PreventionGenetics, part of Exact Sciences
Classification: Uncertain significance for SKIC2-related condition. Last evaluated: 2024-02-28. Review status: no assertion criteria provided. Collection method: clinical testing. Allele origin: germline.
Comment: The SKIC2 c.2049A>T variant is predicted to result in the amino acid substitution p.Lys683Asn. To our knowledge, this variant has not been reported in the literature. This variant is reported in 0.030% of alleles in individuals of South Asian descent in gnomAD. At this time, the clinical significance of this variant is uncertain due to the absence of conclusive functional and genetic evidence.

NM_006929.5(SKIC2):c.2049A>T (p.Lys683Asn)

Gene: SKIC2 (SKI2 subunit of superkiller complex; plus strand). Cytogenetic location: 6p21.33.
Variant type: single nucleotide variant.
Coding change: c.2049A>T on transcript NM_006929.5 (MANE Select); coding-DNA position 2049, A replaced by T.
Protein change: p.Lys683Asn; replaces lysine 683 with asparagine.
Molecular consequence: missense variant.
Genome position (GRCh38, 1-based): chr6:31,965,860, A>T. VCF-style: chr6-31965860-A-T. GRCh37 (hg19) VCF-style: chr6-31933637-A-T.
Other names: short protein forms K683N.
Identifiers: ClinVar variation 3054178 (VCV003054178.2), dbSNP rs776392902, ClinGen allele CA3729672.
Genomic context (GRCh38, chr6:31,965,860, plus strand): 5'-GACCTTTGCCATGGGAGTAAACATGCCTGCTCGTACAGTAGTGTTTGACTCCATGCGCAA[A>T]CACGATGGCTCCACCTTCCGGGACCTGCTCCCTGGGGAGTATGTGCAGATGGCAGGCCGG-3'
Protein context (NP_008860.4, residues 673-693): ARTVVFDSMR[Lys683Asn]HDGSTFRDLL